The following is an entry in ClinVar:

ClinVar aggregate classification (germline): Uncertain significance (1 of 4 stars; one submission).

Conditions:
Inborn genetic diseases. Identifiers: MedGen C0950123, MeSH D030342.

Allele frequency attached by ClinVar (database versions not stated): ExAC 0.00001; TOPMed 0.00001; gnomAD 0.00003; gnomAD exomes 0.00008.
gnomAD v4.1: 122 of 1,614,016 alleles (0.0076%); highest among the groups gnomAD compares: Non-Finnish European, 0.0098%; no homozygotes.

Submission:

Ambry Genetics
Classification: Uncertain significance for Inborn genetic diseases. Last evaluated: 2023-09-18. Review status: criteria provided, single submitter. Criteria: Ambry Variant Classification Scheme 2023. Collection method: clinical testing. Allele origin: germline.
Comment: The p.V188L variant (also known as c.562G>T), located in coding exon 4 of the MCOLN1 gene, results from a G to T substitution at nucleotide position 562. The valine at codon 188 is replaced by leucine, an amino acid with highly similar properties. This amino acid position is conserved. In addition, this alteration is predicted to be tolerated by in silico analysis. Since supporting evidence is limited at this time, the clinical significance of this alteration remains unclear.

NM_020533.3(MCOLN1):c.562G>T (p.Val188Leu)

Gene: MCOLN1 (mucolipin TRP cation channel 1; plus strand). Cytogenetic location: 19p13.2.
Variant type: single nucleotide variant.
Coding change: c.562G>T on transcript NM_020533.3 (MANE Select); coding-DNA position 562, G replaced by T.
Protein change: p.Val188Leu; replaces valine 188 with leucine.
Molecular consequence: missense variant.
Genome position (GRCh38, 1-based): chr19:7,526,917, G>T. VCF-style: chr19-7526917-G-T. GRCh37 (hg19) VCF-style: chr19-7591803-G-T.
Other names: short protein forms V188L.
Identifiers: ClinVar variation 2470108 (VCV002470108.2), dbSNP rs771774446, ClinGen allele CA9138762.
Genomic context (GRCh38, chr19:7,526,917, plus strand): 5'-CGGTACTACCACCGAGGCCACGTGGACCCGGCCAACGACACATTTGACATTGATCCGATG[G>T]TGGTTACTGGTGAGTGGGCAGGACGAGGCTTCACTGTTGGGAGCCTGAGCTGCTGGGATT-3'
Protein context (NP_065394.1, residues 178-198): ANDTFDIDPM[Val188Leu]VTDCIQVDPP